The following is an entry in ClinVar:

ClinVar aggregate classification (germline): Uncertain significance (1 of 4 stars; one submission).

Conditions:
Koolen-de Vries syndrome (KDVS). Identifiers: Orphanet 96169, MedGen C1864871, MONDO:0012496, OMIM 610443.

Allele frequency attached by ClinVar (database versions not stated): gnomAD exomes below 0.00001 and 0.00001; gnomAD 0.00001; ExAC 0.00002.
gnomAD v4.1: 10 of 1,614,048 alleles (0.00062%); highest among the groups gnomAD compares: African/African-American, 0.0013%; no homozygotes.

Submission:

Labcorp Genetics (formerly Invitae), Labcorp
Classification: Uncertain significance for Koolen-de Vries syndrome. Last evaluated: 2022-02-03. Review status: criteria provided, single submitter. Criteria: Invitae Variant Classification Sherloc (09022015). Collection method: clinical testing. Allele origin: germline.
Comment: Until the location of this sequence change can be resolved, the clinical significance of this variant remains uncertain. It has been classified as a Variant of Uncertain Significance. Algorithms developed to predict the effect of missense changes on protein structure and function (SIFT, PolyPhen-2, Align-GVGD) all suggest that this variant is likely to be tolerated. ClinVar contains an entry for this variant (Variation ID: 836072). This variant has not been reported in the literature in individuals with KANSL1-related conditions. This variant is present in population databases (rs776437091, gnomAD 0.006%). This sequence change replaces isoleucine, which is neutral and non-polar, with methionine, which is neutral and non-polar, at codon 317 of the KANSL1 protein (p.Ile317Met). Due to the possible presence of a polymorphic segmental duplication, the location of the variant could not be unambiguously resolved. Variants with ambiguous mapping are still reported relative to the KANSL1 transcript.

NM_015443.4(KANSL1):c.951A>G (p.Ile317Met)

Gene: KANSL1 (KAT8 regulatory NSL complex subunit 1). Cytogenetic location: 17q21.31.
Variant type: single nucleotide variant.
Coding change: c.951A>G on transcript NM_015443.4 (MANE Select); coding-DNA position 951, A replaced by G.
Protein change: p.Ile317Met; replaces isoleucine 317 with methionine.
Molecular consequence: missense variant.
Genome position (GRCh38, 1-based): chr17:46,171,193, T>C on the plus strand (A>G on the coding strand, the complement: KANSL1 is on the minus strand). VCF-style: chr17-46171193-T-C. GRCh37 (hg19) VCF-style: chr17-44248559-T-C.
Other names: c.951A>G, p.Ile317Met (NM_001193465.2, NM_001193466.2, NM_001379198.1); short protein forms I317M.
Identifiers: ClinVar variation 836072 (VCV000836072.9), dbSNP rs776437091, ClinGen allele CA8618918.